The following is an entry in ClinVar:

NM_176787.5(PIGN):c.780C>T (p.Thr260=)

Gene: PIGN (phosphatidylinositol glycan anchor biosynthesis class N; minus strand). Cytogenetic location: 18q21.33.
Variant type: single nucleotide variant.
Coding change: c.780C>T on transcript NM_176787.5 (MANE Select); coding-DNA position 780, C replaced by T.
Protein change: p.Thr260=; no amino-acid change (threonine 260 retained).
Molecular consequence: synonymous variant.
Genome position (GRCh38, 1-based): chr18:62,146,996, G>A on the plus strand (C>T on the coding strand, the complement: PIGN is on the minus strand). VCF-style: chr18-62146996-G-A. GRCh37 (hg19) VCF-style: chr18-59814229-G-A.
Other names: c.780C>T, p.Thr260= (NM_001438896.1, NM_001438904.1, NM_001438905.1 and 2 more transcripts).
Identifiers: ClinVar variation 4998645 (VCV004998645.1).

ClinVar aggregate classification (germline): Likely benign (1 of 4 stars; one submission).

Conditions:
PIGN-related disorder. Also called: PIGN-related condition.

Submission:

PreventionGenetics, part of Exact Sciences
Classification: Likely benign for PIGN-related condition. Last evaluated: 2024-12-22. Review status: criteria provided, single submitter. Criteria: ACMG Guidelines, 2015. Collection method: clinical testing. Allele origin: germline.
Comment: This variant is classified as likely benign based on ACMG/AMP sequence variant interpretation guidelines (Richards et al. 2015 PMID: 25741868, with internal and published modifications).